The following is an entry in ClinVar:

NM_016239.4(MYO15A):c.7006dup (p.Gln2336fs)

Gene: MYO15A (myosin XVA; plus strand). Cytogenetic location: 17p11.2.
Variant type: Duplication.
Coding change: c.7006dup on transcript NM_016239.4 (MANE Select); coding-DNA position 7006, one base duplicated (C; older notation c.7006dupC).
Protein change: p.Gln2336fs; shifts the reading frame from glutamine 2336.
Genome position (GRCh38, 1-based): chr17:18,149,265, C duplicated; the last of 4 consecutive C bases (chr17:18,149,262-18,149,265); duplicating any one gives the same sequence. VCF-style (leftmost placement, unchanged base first): chr17-18149261-A-AC. GRCh37 (hg19) VCF-style: chr17-18052575-A-AC.
Other names: NM_016239.3:c.7006dupC; p.Gln2336ProfsX11; c.7006_7007insC (NM_016239.3); c.7006dup (NM_016239.3); short protein forms Q2336fs.
Identifiers: ClinVar variation 45757 (VCV000045757.10), dbSNP rs397517286, ClinGen allele CA261769.

ClinVar aggregate classification (germline): Pathogenic. Review status: criteria provided, multiple submitters, no conflicts (2 of 4 stars). 3 submissions from 3 submitters: Pathogenic (3). Last evaluated 2023-09-26.

Conditions:
Rare genetic deafness. Identifiers: Orphanet 96210, MedGen C5680250.

Submissions (3):

Labcorp Genetics (formerly Invitae), Labcorp
Classification: Pathogenic. Last evaluated: 2023-09-26. Review status: criteria provided, single submitter. Criteria: Invitae Variant Classification Sherloc (09022015). Collection method: clinical testing. Allele origin: germline.
Comment: This sequence change creates a premature translational stop signal (p.Gln2336Profs*11) in the MYO15A gene. It is expected to result in an absent or disrupted protein product. Loss-of-function variants in MYO15A are known to be pathogenic (PMID: 17546645). This variant is not present in population databases (gnomAD no frequency). This variant has not been reported in the literature in individuals affected with MYO15A-related conditions. ClinVar contains an entry for this variant (Variation ID: 45757). For these reasons, this variant has been classified as Pathogenic.

GeneDx
Classification: Pathogenic. Last evaluated: 2023-07-27. Review status: criteria provided, single submitter. Criteria: GeneDx Variant Classification Process June 2021. Collection method: clinical testing. Allele origin: germline. Affected: yes.
Comment: Frameshift variant predicted to result in protein truncation or nonsense mediated decay in a gene for which loss of function is a known mechanism of disease; Has not been previously published as pathogenic or benign to our knowledge; Not observed at significant frequency in large population cohorts (gnomAD); This variant is associated with the following publications: (PMID: 27375115)

Laboratory for Molecular Medicine, Mass General Brigham Personalized Medicine
Classification: Pathogenic for Rare genetic deafness. Last evaluated: 2013-01-08. Review status: criteria provided, single submitter. Criteria: LMM Criteria. Collection method: clinical testing. Allele origin: germline. Inheritance: Autosomal recessive inheritance. Observed: 3 variant alleles.
Comment: This frameshift variant is predicted to alter the protein?s amino acid sequenc e beginning at position 2336 and lead to a premature termination codon 11 amino acids downstream. This alteration is then predicted to lead to a truncated or ab sent protein (loss of function) and loss of function variants in MYO15A are a kn own mechanism of pathogenicity. In summary, this variant is meets our criteria t o be classified as pathogenic.

Literature cited by the submitters: PubMed 17546645 (cited by Labcorp Genetics (formerly Invitae), Labcorp).